The following is an entry in ClinVar:

ClinVar aggregate classification (germline): Likely pathogenic (1 of 4 stars; one submission).

Conditions:
Holocarboxylase synthetase deficiency. Also called: MULTIPLE CARBOXYLASE DEFICIENCY, EARLY ONSET. Identifiers: Orphanet 79242, MedGen C0268581, MONDO:0009666, OMIM 253270.

Submission:

Myriad Genetics, Inc.
Classification: Likely pathogenic for Holocarboxylase synthetase deficiency. Last evaluated: 2019-05-27. Review status: criteria provided, single submitter. Criteria: Myriad Women's Health Autosomal Recessive and X-Linked Classification Criteria (2019). Collection method: clinical testing. Allele origin: unknown.
Comment: NM_000411.6(HLCS):c.399C>A(Y133*) is expected to be pathogenic in the context of holocarboxylase synthetase deficiency. This variant is predicted to lead to an abnormal or absent protein product due to the creation of a premature termination codon in HLCS, a gene where loss-of-function variants are known to be pathogenic. Please note: this variant was assessed in the context of healthy population screening.

NM_001352514.2(HLCS):c.840C>A (p.Tyr280Ter)

Gene: HLCS (holocarboxylase synthetase; minus strand). Cytogenetic location: 21q22.13.
Variant type: single nucleotide variant.
Coding change: c.840C>A on transcript NM_001352514.2 (MANE Select); coding-DNA position 840, C replaced by A.
Protein change: p.Tyr280Ter; replaces tyrosine 280 with a stop codon.
Molecular consequence: nonsense. On other transcripts: non-coding transcript variant (2).
Genome position (GRCh38, 1-based): chr21:36,937,046, G>T on the plus strand (C>A on the coding strand, the complement: HLCS is on the minus strand). VCF-style: chr21-36937046-G-T. GRCh37 (hg19) VCF-style: chr21-38309346-G-T.
Other names: c.399C>A, p.Tyr133Ter (NM_000411.8, NM_001242784.3, NM_001242785.2 and 4 more transcripts); short protein forms Y133*, Y280*.
Identifiers: ClinVar variation 984058 (VCV000984058.3), dbSNP rs779907293, ClinGen allele CA409913125.